The following is an entry in ClinVar:

NM_012478.4(WBP2):c.374G>A (p.Arg125Gln)

Gene: WBP2 (WW domain binding protein 2; minus strand). Cytogenetic location: 17q25.1.
Variant type: single nucleotide variant.
Coding change: c.374G>A on transcript NM_012478.4 (MANE Select); coding-DNA position 374, G replaced by A.
Protein change: p.Arg125Gln; replaces arginine 125 with glutamine.
Molecular consequence: missense variant.
Genome position (GRCh38, 1-based): chr17:75,848,593, C>T on the plus strand (G>A on the coding strand, the complement: WBP2 is on the minus strand). VCF-style: chr17-75848593-C-T. GRCh37 (hg19) VCF-style: chr17-73844674-C-T.
Other names: c.374G>A (NM_012478.3); c.374G>A, p.Arg125Gln (NM_001330499.2, NM_001348170.1); short protein forms R125Q.
Identifiers: ClinVar variation 1588385 (VCV001588385.9), dbSNP rs138426320, ClinGen allele CA8773945.

ClinVar aggregate classification (germline): Likely benign. Review status: criteria provided, single submitter (1 of 4 stars). 2 submissions from 2 submitters: Likely benign (1). 1 of the submissions does not count toward it. Last evaluated 2025-12-17.

Conditions:
WBP2-related disorder. Also called: WBP2-related condition.

Allele frequency attached by ClinVar (database versions not stated): gnomAD exomes 0.00015; ESP Exome Variant Server 0.00138; 1000 Genomes Project 30x 0.00156; 1000 Genomes Project 0.00160.
gnomAD v4.1: 465 of 1,613,938 alleles (0.029%); highest among the groups gnomAD compares: African/African-American, 0.5%; no homozygotes.

Submissions (2):

Labcorp Genetics (formerly Invitae), Labcorp
Classification: Likely benign. Last evaluated: 2025-12-17. Review status: criteria provided, single submitter. Criteria: Invitae Variant Classification Sherloc (09022015). Collection method: clinical testing. Allele origin: germline.

PreventionGenetics, part of Exact Sciences
Classification: Likely benign for WBP2-related condition. Last evaluated: 2024-08-13. Review status: no assertion criteria provided. Collection method: clinical testing. Allele origin: germline. Not counted in ClinVar's aggregate classification.
Comment: This variant is classified as likely benign based on ACMG/AMP sequence variant interpretation guidelines (Richards et al. 2015 PMID: 25741868, with internal and published modifications).